The following is an entry in ClinVar:

NM_004260.4(RECQL4):c.2200+1G>T

Gene: RECQL4 (RecQ like helicase 4; minus strand). Cytogenetic location: 8q24.3.
Variant type: single nucleotide variant.
Coding change: c.2200+1G>T on transcript NM_004260.4 (MANE Select); the canonical splice donor site of the intron after coding-DNA position 2200, G replaced by T.
Molecular consequence: splice donor variant.
Genome position (GRCh38, 1-based): chr8:144,513,570, C>A on the plus strand (G>T on the coding strand, the complement: RECQL4 is on the minus strand). VCF-style: chr8-144513570-C-A. GRCh37 (hg19) VCF-style: chr8-145738954-C-A.
Other names: c.2071+1G>T (NM_001413025.1); c.1849+1G>T (NM_001413029.1); c.1063+1G>T (NM_001413032.1, NM_001413027.1, NM_001413030.1 and 1 more transcripts); c.1129+1G>T (NM_001413035.1, NM_001413040.1, NM_001413021.1 and 6 more transcripts); c.2104+1G>T (NM_001413017.1, NM_001413020.1); c.2170+1G>T (NM_001413039.1); c.2068+1G>T (NM_001413033.1); c.2200+1G>T (NM_001413018.1, NM_001413036.1, NM_001413019.1); and 4 more.
Identifiers: ClinVar variation 2908502 (VCV002908502.3), dbSNP rs2538016493, ClinGen allele CA372679542.

ClinVar aggregate classification (germline): Likely pathogenic (1 of 4 stars; one submission).

Conditions:
Baller-Gerold syndrome (BGS). Also called: CRANIOSYNOSTOSIS WITH RADIAL DEFECTS. Identifiers: Orphanet 1225, MedGen C0265308, MONDO:0009039, OMIM 218600.

gnomAD v4.1: 1 of 1,610,802 alleles (0.000062%); highest among the groups gnomAD compares: Non-Finnish European, 0.000085%; no homozygotes.

Submission:

Labcorp Genetics (formerly Invitae), Labcorp
Classification: Likely pathogenic for Baller-Gerold syndrome. Last evaluated: 2025-03-30. Review status: criteria provided, single submitter. Criteria: Invitae Variant Classification Sherloc (09022015). Collection method: clinical testing. Allele origin: germline.
Comment: This sequence change affects a donor splice site in intron 13 of the RECQL4 gene. It is expected to disrupt RNA splicing. Variants that disrupt the donor or acceptor splice site typically lead to a loss of protein function (PMID: 16199547), and loss-of-function variants in RECQL4 are known to be pathogenic (PMID: 12734318, 12952869). This variant is not present in population databases (gnomAD no frequency). This variant has not been reported in the literature in individuals affected with RECQL4-related conditions. ClinVar contains an entry for this variant (Variation ID: 2908502). Algorithms developed to predict the effect of sequence changes on RNA splicing suggest that this variant may disrupt the consensus splice site. In summary, the currently available evidence indicates that the variant is pathogenic, but additional data are needed to prove that conclusively. Therefore, this variant has been classified as Likely Pathogenic.

Literature cited by the submitters: PubMed 16199547; PubMed 12734318; PubMed 12952869.